The following is an entry in ClinVar:

NM_080473.5(GATA5):c.767G>A (p.Arg256Gln)

Gene: GATA5 (GATA binding protein 5; minus strand). Cytogenetic location: 20q13.33.
Variant type: single nucleotide variant.
Coding change: c.767G>A on transcript NM_080473.5 (MANE Select); coding-DNA position 767, G replaced by A.
Protein change: p.Arg256Gln; replaces arginine 256 with glutamine.
Molecular consequence: missense variant.
Genome position (GRCh38, 1-based): chr20:62,466,484, C>T on the plus strand (G>A on the coding strand, the complement: GATA5 is on the minus strand). VCF-style: chr20-62466484-C-T. GRCh37 (hg19) VCF-style: chr20-61041540-C-T.
Other names: short protein forms R256Q.
Identifiers: ClinVar variation 222642 (VCV000222642.9), dbSNP rs781802523, ClinGen allele CA080762.

ClinVar aggregate classification (germline): Uncertain significance. Review status: criteria provided, multiple submitters, no conflicts (2 of 4 stars). 2 submissions from 2 submitters: Uncertain significance (2). Last evaluated 2025-07-03.

Allele frequency attached by ClinVar (database versions not stated): TOPMed 0.00001; gnomAD exomes 0.00003; gnomAD 0.00001; ExAC 0.00010.
gnomAD v4.1: 31 of 1,576,584 alleles (0.002%); highest among the groups gnomAD compares: Admixed American, 0.0073%; no homozygotes.

Submissions (2):

Labcorp Genetics (formerly Invitae), Labcorp
Classification: Uncertain significance. Last evaluated: 2025-07-03. Review status: criteria provided, single submitter. Criteria: Invitae Variant Classification Sherloc (09022015). Collection method: clinical testing. Allele origin: germline.
Comment: This sequence change replaces arginine, which is basic and polar, with glutamine, which is neutral and polar, at codon 256 of the GATA5 protein (p.Arg256Gln). The frequency data for this variant in the population databases is considered unreliable, as metrics indicate poor data quality at this position in the gnomAD database. This variant has not been reported in the literature in individuals affected with GATA5-related conditions. ClinVar contains an entry for this variant (Variation ID: 222642). Invitae Evidence Modeling of protein sequence and biophysical properties (such as structural, functional, and spatial information, amino acid conservation, physicochemical variation, residue mobility, and thermodynamic stability) indicates that this missense variant is expected to disrupt GATA5 protein function with a positive predictive value of 80%. In summary, the available evidence is currently insufficient to determine the role of this variant in disease. Therefore, it has been classified as a Variant of Uncertain Significance.

Ambry Genetics
Classification: Uncertain significance. Last evaluated: 2025-07-02. Review status: criteria provided, single submitter. Criteria: Ambry Variant Classification Scheme 2023. Collection method: clinical testing. Allele origin: germline.